The following is an entry in ClinVar:

NM_000051.4(ATM):c.2494dup (p.Arg832fs)

Gene: ATM (ATM serine/threonine kinase; plus strand). Cytogenetic location: 11q22.3.
Variant type: Duplication.
Coding change: c.2494dup on transcript NM_000051.4 (MANE Select); coding-DNA position 2494, one base duplicated (C; older notation c.2494dupC).
Protein change: p.Arg832fs; shifts the reading frame from arginine 832.
Molecular consequence: frameshift variant.
Genome position (GRCh38, 1-based): chr11:108,267,198, C duplicated; the last of 2 consecutive C bases (chr11:108,267,197-108,267,198); duplicating either gives the same sequence. VCF-style (leftmost placement, unchanged base first): chr11-108267196-A-AC. GRCh37 (hg19) VCF-style: chr11-108137923-A-AC.
Other names: c.2494dupC (NM_000051.3); c.2494dup, p.Arg832fs (NM_001351834.2); short protein forms R832fs.
Identifiers: ClinVar variation 429085 (VCV000429085.10), dbSNP rs1131691165, ClinGen allele CA645369434.
Genomic context (GRCh38, chr11:108,267,196, plus strand): 5'-GCCATCTTGAACATCTTTGTTTCTCTTCCTTGAAGGCATCCTTCATCAAAAAGCCATTTG[A>AC]CCGTGGAGAAGTAGAATCAATGGAAGATGATACTAATGGAAATCTAATGGAGGTGGAGGA-3'

ClinVar aggregate classification (germline): Pathogenic. Review status: criteria provided, multiple submitters, no conflicts (2 of 4 stars). 2 submissions from 2 submitters: Pathogenic (2). Last evaluated 2022-08-29.

Conditions:
Hereditary cancer-predisposing syndrome. Also called: Hereditary neoplastic syndrome; Tumor predisposition; Neoplastic Syndromes, Hereditary; Hereditary Cancer Syndrome. Identifiers: Orphanet 140162, MedGen C0027672, MeSH D009386, MONDO:0015356.
Ataxia-telangiectasia syndrome (AT). Also called: Cerebello-oculocutaneous telangiectasia; Immunodeficiency with ataxia telangiectasia; Ataxia-telangiectasia; LOUIS-BAR SYNDROME; Ataxia-telangiectasia, complementation group E; Ataxia telangiectasia (A-T). Identifiers: Orphanet 100, MedGen C0004135, MONDO:0008840, OMIM 208900.

Submissions (2):

Labcorp Genetics (formerly Invitae), Labcorp
Classification: Pathogenic for Ataxia-telangiectasia syndrome. Last evaluated: 2022-08-29. Review status: criteria provided, single submitter. Criteria: Invitae Variant Classification Sherloc (09022015). Collection method: clinical testing. Allele origin: germline.
Comment: This sequence change creates a premature translational stop signal (p.Arg832Profs*10) in the ATM gene. It is expected to result in an absent or disrupted protein product. Loss-of-function variants in ATM are known to be pathogenic (PMID: 23807571, 25614872). This variant is not present in population databases (gnomAD no frequency). For these reasons, this variant has been classified as Pathogenic. ClinVar contains an entry for this variant (Variation ID: 429085). This variant has not been reported in the literature in individuals affected with ATM-related conditions.

Ambry Genetics
Classification: Pathogenic for Hereditary cancer-predisposing syndrome. Last evaluated: 2016-09-27. Review status: criteria provided, single submitter. Criteria: Ambry Variant Classification Scheme 2023. Collection method: clinical testing. Allele origin: germline.
Comment: The c.2494dupC pathogenic mutation, located in coding exon 16 of the ATM gene, results from a duplication of C at nucleotide position 2494, causing a translational frameshift with a predicted alternate stop codon. This alteration is expected to result in loss of function by premature protein truncation or nonsense-mediated mRNA decay. As such, this alteration is interpreted as a disease-causing mutation.

Literature cited by the submitters: PubMed 23807571 (cited by Labcorp Genetics (formerly Invitae), Labcorp); PubMed 25614872 (cited by Labcorp Genetics (formerly Invitae), Labcorp).